The following is an entry in ClinVar:

NM_001145809.2(MYH14):c.988G>A (p.Glu330Lys)

Gene: MYH14 (myosin heavy chain 14; plus strand). Cytogenetic location: 19q13.33.
Variant type: single nucleotide variant.
Coding change: c.988G>A on transcript NM_001145809.2 (MANE Select); coding-DNA position 988, G replaced by A.
Protein change: p.Glu330Lys; replaces glutamic acid 330 with lysine.
Molecular consequence: missense variant.
Genome position (GRCh38, 1-based): chr19:50,231,944, G>A. VCF-style: chr19-50231944-G-A. GRCh37 (hg19) VCF-style: chr19-50735201-G-A.
Other names: c.988G>A, p.Glu330Lys (NM_001077186.2); c.964G>A, p.Glu322Lys (NM_024729.4); short protein forms E322K, E330K.
Identifiers: ClinVar variation 1907026 (VCV001907026.6), dbSNP rs367826402, ClinGen allele CA9592471.

ClinVar aggregate classification (germline): Uncertain significance. Review status: criteria provided, multiple submitters, no conflicts (2 of 4 stars). 2 submissions from 2 submitters: Uncertain significance (2). Last evaluated 2023-07-18.

Conditions:
Inborn genetic diseases. Identifiers: MedGen C0950123, MeSH D030342.

Allele frequency attached by ClinVar (database versions not stated): ExAC 0.00002; ESP Exome Variant Server 0.00008.
gnomAD v4.1: 17 of 1,613,880 alleles (0.0011%); highest among the groups gnomAD compares: South Asian, 0.013%; no homozygotes.

Submissions (2):

Labcorp Genetics (formerly Invitae), Labcorp
Classification: Uncertain significance. Last evaluated: 2023-07-18. Review status: criteria provided, single submitter. Criteria: Invitae Variant Classification Sherloc (09022015). Collection method: clinical testing. Allele origin: germline.
Comment: This sequence change replaces glutamic acid, which is acidic and polar, with lysine, which is basic and polar, at codon 322 of the MYH14 protein (p.Glu322Lys). This variant is present in population databases (rs367826402, gnomAD 0.01%). This variant has not been reported in the literature in individuals affected with MYH14-related conditions. ClinVar contains an entry for this variant (Variation ID: 1907026). Advanced modeling of protein sequence and biophysical properties (such as structural, functional, and spatial information, amino acid conservation, physicochemical variation, residue mobility, and thermodynamic stability) performed at Invitae indicates that this missense variant is expected to disrupt MYH14 protein function. In summary, the available evidence is currently insufficient to determine the role of this variant in disease. Therefore, it has been classified as a Variant of Uncertain Significance.

Ambry Genetics
Classification: Uncertain significance for Inborn genetic diseases. Last evaluated: 2022-01-26. Review status: criteria provided, single submitter. Criteria: Ambry Variant Classification Scheme 2023. Collection method: clinical testing. Allele origin: germline.